The following is an entry in ClinVar:

ClinVar aggregate classification (germline): Uncertain significance (1 of 4 stars; one submission).

Conditions:
Familial cancer of breast. Also called: hereditary breast carcinoma; Hereditary breast cancer; BREAST CANCER, FAMILIAL. Identifiers: Orphanet 227535, MedGen C0346153, MONDO:0016419, OMIM 114480. Disease mechanism: loss of function.

Submission:

Labcorp Genetics (formerly Invitae), Labcorp
Classification: Uncertain significance for Familial cancer of breast. Last evaluated: 2021-10-28. Review status: criteria provided, single submitter. Criteria: Invitae Variant Classification Sherloc (09022015). Collection method: clinical testing. Allele origin: germline.
Comment: In summary, the available evidence is currently insufficient to determine the role of this variant in disease. Therefore, it has been classified as a Variant of Uncertain Significance. Algorithms developed to predict the effect of missense changes on protein structure and function (SIFT, PolyPhen-2, Align-GVGD) all suggest that this variant is likely to be disruptive. This variant has not been reported in the literature in individuals affected with CHEK2-related conditions. This variant is not present in population databases (gnomAD no frequency). This sequence change replaces asparagine, which is neutral and polar, with histidine, which is basic and polar, at codon 171 of the CHEK2 protein (p.Asn171His).

NM_007194.4(CHEK2):c.511A>C (p.Asn171His)

Gene: CHEK2 (checkpoint kinase 2; minus strand). Cytogenetic location: 22q12.1.
Variant type: single nucleotide variant.
Coding change: c.511A>C on transcript NM_007194.4 (MANE Select); coding-DNA position 511, A replaced by C.
Protein change: p.Asn171His; replaces asparagine 171 with histidine.
Molecular consequence: missense variant. On other transcripts: 5 prime UTR variant (2), intron variant (1).
Genome position (GRCh38, 1-based): chr22:28,725,058, T>G on the plus strand (A>C on the coding strand, the complement: CHEK2 is on the minus strand). VCF-style: chr22-28725058-T-G. GRCh37 (hg19) VCF-style: chr22-29121046-T-G.
Other names: c.640A>C, p.Asn214His (NM_001005735.3, NM_001438294.1); c.-267A>C (NM_001257387.3); c.-153A>C (NM_001437942.1); c.604A>C, p.Asn202His (NM_001438293.1, NM_001438295.1); c.511A>C, p.Asn171His (NM_145862.3); c.445-135A>C (NM_001349956.3); short protein forms N171H, N214H, N202H.
Identifiers: ClinVar variation 1500038 (VCV001500038.7), dbSNP rs2146059522, ClinGen allele CA411107397.